The following is an entry in ClinVar:

NM_000350.3(ABCA4):c.2743+12A>C

Gene: ABCA4 (ATP binding cassette subfamily A member 4; minus strand). Cytogenetic location: 1p22.1.
Variant type: single nucleotide variant.
Coding change: c.2743+12A>C on transcript NM_000350.3 (MANE Select); 12 bases into the intron after coding-DNA position 2743, A replaced by C.
Molecular consequence: intron variant.
Genome position (GRCh38, 1-based): chr1:94,048,856, T>G on the plus strand (A>C on the coding strand, the complement: ABCA4 is on the minus strand). VCF-style: chr1-94048856-T-G. GRCh37 (hg19) VCF-style: chr1-94514412-T-G.
Identifiers: ClinVar variation 876779 (VCV000876779.9), dbSNP rs559119402, ClinGen allele CA958177.

ClinVar aggregate classification (germline): Conflicting classifications of pathogenicity. Review status: criteria provided, conflicting classifications (1 of 4 stars). 3 submissions from 3 submitters: Uncertain significance (1); Likely benign (2). Last evaluated 2025-08-30.

Conditions:
ABCA4-related disorder. Also called: ABCA4-related condition; ABCA4-related disorders. Identifiers: MedGen CN239167.

Allele frequency attached by ClinVar (database versions not stated): gnomAD exomes 0.00003 and 0.00010; gnomAD 0.00006 and 0.00008; TOPMed 0.00006; ExAC 0.00010; 1000 Genomes Project 30x 0.00016; 1000 Genomes Project 0.00020.
gnomAD v4.1: 54 of 1,613,814 alleles (0.0033%); highest among the groups gnomAD compares: East Asian, 0.08%; 1 homozygote.

Submissions (3):

Labcorp Genetics (formerly Invitae), Labcorp
Classification: Likely benign. Last evaluated: 2025-08-30. Review status: criteria provided, single submitter. Criteria: Invitae Variant Classification Sherloc (09022015). Collection method: clinical testing. Allele origin: germline.

Blueprint Genetics
Classification: Likely benign. Last evaluated: 2023-03-23. Review status: criteria provided, single submitter. Criteria: ACMG Guidelines, 2015. Collection method: clinical testing. Allele origin: germline.

Illumina Laboratory Services, Illumina
Classification: Uncertain significance for ABCA4-Related Disorders. Last evaluated: 2017-04-27. Review status: criteria provided, single submitter. Criteria: ICSL Variant Classification Criteria 13 December 2019. Collection method: clinical testing. Allele origin: germline.
Comment: This variant was observed as part of a predisposition screen in an ostensibly healthy population. A literature search was performed for the gene, cDNA change, and amino acid change (where applicable). Publications were found based on this search. However, the evidence from the literature, in combination with allele frequency data from public databases where available, was not sufficient to rule this variant in or out of causing disease. Therefore, this variant is classified as a variant of unknown significance.

Literature cited by the submitters: PubMed 25707054 (cited by Illumina Laboratory Services, Illumina).